The following is an entry in ClinVar:

NM_006514.4(SCN10A):c.1141A>G (p.Ile381Val)

Gene: SCN10A (sodium voltage-gated channel alpha subunit 10; minus strand). Cytogenetic location: 3p22.2.
Variant type: single nucleotide variant.
Coding change: c.1141A>G on transcript NM_006514.4 (MANE Select); coding-DNA position 1141, A replaced by G.
Protein change: p.Ile381Val; replaces isoleucine 381 with valine.
Molecular consequence: missense variant.
Genome position (GRCh38, 1-based): chr3:38,756,823, T>C on the plus strand (A>G on the coding strand, the complement: SCN10A is on the minus strand). VCF-style: chr3-38756823-T-C. GRCh37 (hg19) VCF-style: chr3-38798314-T-C.
Other names: c.1141A>G, p.Ile381Val (NM_001293306.2, NM_001293307.2); short protein forms I381V.
Identifiers: ClinVar variation 414634 (VCV000414634.36), dbSNP rs150923753, ClinGen allele CA2320948.

ClinVar aggregate classification (germline): Benign/Likely benign. Review status: criteria provided, multiple submitters, no conflicts (2 of 4 stars). 6 submissions from 6 submitters: Benign (2); Likely benign (4). Last evaluated 2026-01-19.

Conditions:
SCN10A-related disorder. Also called: SCN10A-related condition.
Cardiovascular phenotype. Identifiers: MedGen CN230736.
Brugada syndrome. Also called: Sudden Unexplained Death Syndrome; Sudden Unexplained Nocturnal Death Syndrome (SUNDS); Sudden unexpected nocturnal death syndrome; Sudden unexplained nocturnal death syndrome. Identifiers: Orphanet 130, MedGen C1142166, MONDO:0015263.

Allele frequency attached by ClinVar (database versions not stated): gnomAD exomes 0.00030 and 0.00067; gnomAD 0.00039 and 0.00041; TOPMed 0.00042; ExAC 0.00052; ESP Exome Variant Server 0.00062.

Submissions (6):

Labcorp Genetics (formerly Invitae), Labcorp
Classification: Likely benign for Brugada syndrome. Last evaluated: 2026-01-19. Review status: criteria provided, single submitter. Criteria: Invitae Variant Classification Sherloc (09022015). Collection method: clinical testing. Allele origin: germline.

PreventionGenetics, part of Exact Sciences
Classification: Likely benign for SCN10A-related condition. Last evaluated: 2026-01-07. Review status: criteria provided, single submitter. Criteria: ACMG Guidelines, 2015. Collection method: clinical testing. Allele origin: germline.
Comment: This variant is classified as likely benign based on ACMG/AMP sequence variant interpretation guidelines (Richards et al. 2015 PMID: 25741868, with internal and published modifications).

Women's Health and Genetics/Laboratory Corporation of America, LabCorp
Classification: Likely benign. Last evaluated: 2025-05-23. Review status: criteria provided, single submitter. Criteria: LabCorp Variant Classification Summary - May 2015. Collection method: clinical testing. Allele origin: germline.
Comment: Variant summary: SCN10A c.1141A>G (p.Ile381Val) results in a conservative amino acid change in the encoded protein sequence. Algorithms developed to predict the effect of missense changes on protein structure and function are either unavailable or do not agree on the potential impact of this missense change. The variant allele was found at a frequency of 0.00067 in 251368 control chromosomes in the gnomAD database, including 1 homozygotes. The observed variant frequency is approximately 107 fold of the estimated maximal expected allele frequency for a pathogenic variant in SCN10A causing Arrhythmia phenotype (6.3e-06). To our knowledge, no experimental evidence demonstrating an impact on protein function has been reported. ClinVar contains an entry for this variant (Variation ID: 414634). Based on the evidence outlined above, the variant was classified as likely benign.

CeGaT Center for Human Genetics Tuebingen
Classification: Benign. Last evaluated: 2025-05-01. Review status: criteria provided, single submitter. Criteria: CeGaT Center For Human Genetics Tuebingen Variant Classification Criteria Version 2. Collection method: clinical testing. Allele origin: germline. Affected: yes. Observed: 1 variant allele.
Comment: SCN10A: PP3, BS1, BS2

Ambry Genetics
Classification: Benign for Cardiovascular phenotype. Last evaluated: 2019-04-12. Review status: criteria provided, single submitter. Criteria: Ambry Variant Classification Scheme 2023. Collection method: clinical testing. Allele origin: germline.

GeneDx
Classification: Likely benign. Last evaluated: 2017-08-24. Review status: criteria provided, single submitter. Criteria: GeneDx Variant Classification (06012015). Collection method: clinical testing. Allele origin: germline. Affected: yes.
Comment: This variant is considered likely benign or benign based on one or more of the following criteria: it is a conservative change, it occurs at a poorly conserved position in the protein, it is predicted to be benign by multiple in silico algorithms, and/or has population frequency not consistent with disease.

Literature cited by the submitters: PubMed 30554136 (cited by Women's Health and Genetics/Laboratory Corporation of America, LabCorp).